The following is an entry in ClinVar:

ClinVar aggregate classification (germline): Uncertain significance. Review status: criteria provided, multiple submitters, no conflicts (2 of 4 stars). 3 submissions from 3 submitters: Uncertain significance (3). Last evaluated 2025-06-17.

Conditions:
Exostoses, multiple, type 1 (EXT1). Also called: EXOSTOSES, MULTIPLE, TYPE I; Hereditary Multiple Osteochondromatosis, Type I. Identifiers: MedGen CN263289, MONDO:0007585, OMIM 133700.
Chondrosarcoma. Also called: Chondrosarcoma, somatic. Identifiers: Orphanet 55880, MedGen C0008479, MONDO:0008977, OMIM 215300, HP:0006765.
Multiple congenital exostosis (EXT). Also called: Multiple osteochondromas; MULTIPLE CARTILAGINOUS EXOSTOSES; Hereditary multiple osteochondromas; Hereditary multiple exostoses; Hereditary multiple exostosis; Multiple exostoses. Identifiers: Orphanet 321, MedGen C0015306, MONDO:0005508, HP:0002762.

Allele frequency attached by ClinVar (database versions not stated): gnomAD exomes below 0.00001; TOPMed 0.00001.
gnomAD v4.1: 5 of 1,614,028 alleles (0.00031%); highest among the groups gnomAD compares: Non-Finnish European, 0.00042%; no homozygotes.

Submissions (3):

St. Jude Molecular Pathology, St. Jude Children's Research Hospital
Classification: Uncertain significance for Exostoses, multiple, type 1. Last evaluated: 2025-06-17. Review status: criteria provided, single submitter. Criteria: St. Jude Assertion Criteria 2020. Collection method: clinical testing. Allele origin: germline.
Comment: The EXT1 c.1688G>A p.(Ser563Asn) missense change has a maximum subpopulation frequency of 0.00088% in gnomAD v2.1.1. The in silico tool REVEL is inconclusive about a pathogenic or benign effect of this variant on protein function, and to our knowledge functional studies have not been performed. To our knowledge, this variant has not been reported in individuals with hereditary multiple exostoses. In summary, the evidence currently available is insufficient to determine the clinical significance of this variant. It has therefore been classified as of uncertain significance.

Baylor Genetics
Classification: Uncertain significance for Chondrosarcoma. Last evaluated: 2023-09-21. Review status: criteria provided, single submitter. Criteria: ACMG Guidelines, 2015. Collection method: clinical testing. Allele origin: unknown.

Labcorp Genetics (formerly Invitae), Labcorp
Classification: Uncertain significance for Multiple congenital exostosis. Last evaluated: 2023-06-21. Review status: criteria provided, single submitter. Criteria: Invitae Variant Classification Sherloc (09022015). Collection method: clinical testing. Allele origin: germline.
Comment: This sequence change replaces serine, which is neutral and polar, with asparagine, which is neutral and polar, at codon 563 of the EXT1 protein (p.Ser563Asn). This variant is present in population databases (no rsID available, gnomAD 0.0009%). This variant has not been reported in the literature in individuals affected with EXT1-related conditions. Advanced modeling of protein sequence and biophysical properties (such as structural, functional, and spatial information, amino acid conservation, physicochemical variation, residue mobility, and thermodynamic stability) performed at Invitae indicates that this missense variant is not expected to disrupt EXT1 protein function. In summary, the available evidence is currently insufficient to determine the role of this variant in disease. Therefore, it has been classified as a Variant of Uncertain Significance.

NM_000127.3(EXT1):c.1688G>A (p.Ser563Asn)

Gene: EXT1 (exostosin glycosyltransferase 1; minus strand). Cytogenetic location: 8q24.11.
Variant type: single nucleotide variant.
Coding change: c.1688G>A on transcript NM_000127.3 (MANE Select); coding-DNA position 1688, G replaced by A.
Protein change: p.Ser563Asn; replaces serine 563 with asparagine.
Molecular consequence: missense variant.
Genome position (GRCh38, 1-based): chr8:117,812,906, C>T on the plus strand (G>A on the coding strand, the complement: EXT1 is on the minus strand). VCF-style: chr8-117812906-C-T. GRCh37 (hg19) VCF-style: chr8-118825145-C-T.
Other names: short protein forms S563N.
Identifiers: ClinVar variation 2675155 (VCV002675155.6), dbSNP rs1345805410, ClinGen allele CA371881085.